The following is an entry in ClinVar:

ClinVar aggregate classification (germline): Uncertain significance (1 of 4 stars; one submission).

Conditions:
Hereditary cancer-predisposing syndrome. Also called: Hereditary neoplastic syndrome; Neoplastic Syndromes, Hereditary; Hereditary Cancer Syndrome; Tumor predisposition. Identifiers: Orphanet 140162, MedGen C0027672, MeSH D009386, MONDO:0015356.

Submission:

Labcorp Genetics (formerly Invitae), Labcorp
Classification: Uncertain significance for Hereditary cancer-predisposing syndrome. Last evaluated: 2019-11-05. Review status: criteria provided, single submitter. Criteria: Invitae Variant Classification Sherloc (09022015). Collection method: clinical testing. Allele origin: germline.
Comment: In summary, the available evidence is currently insufficient to determine the role of this variant in disease. Therefore, it has been classified as a Variant of Uncertain Significance. Nucleotide substitutions within the consensus splice site are a relatively common cause of aberrant splicing (PMID: 17576681, 9536098). Algorithms developed to predict the effect of sequence changes on RNA splicing suggest that this variant may disrupt the consensus splice site, but this prediction has not been confirmed by published transcriptional studies. This variant has not been reported in the literature in individuals with RAD50-related conditions. This variant is not present in population databases (ExAC no frequency). This sequence change falls in intron 22 of the RAD50 gene. It does not directly change the encoded amino acid sequence of the RAD50 protein, but it affects a nucleotide within the consensus splice site of the intron.

Literature cited by the submitters: PubMed 17576681; PubMed 9536098.

NM_005732.4(RAD50):c.3475+4_3475+15del

Genes: TH2LCRR (T helper type 2 locus control region associated RNA; minus strand), RAD50 (RAD50 double strand break repair protein; plus strand), TH2-LCR (Th2 cytokine locus control region; plus strand). Cytogenetic location: 5q31.1.
Variant type: Deletion.
Coding change: c.3475+4_3475+15del on transcript NM_005732.4 (MANE Select); bases 4 to 15 of the intron after coding-DNA position 3475, 12 bases deleted (AGTACCATGGTG).
Molecular consequence: splice donor variant.
Genome position (GRCh38, 1-based): chr5:132,637,204-132,637,215, AGTACCATGGTG deleted; deleting any 12 consecutive bases within chr5:132,637,200-132,637,215 gives the same sequence; the c. name uses the placement nearest the transcript's 3' end. VCF-style (leftmost placement, unchanged base first): chr5-132637199-AGGTGAGTACCAT-A. GRCh37 (hg19) VCF-style: chr5-131972891-AGGTGAGTACCAT-A.
Identifiers: ClinVar variation 966888 (VCV000966888.8), dbSNP rs1751599225, ClinGen allele CA1139655888.